The following is an entry in ClinVar:

NM_001035.3(RYR2):c.273+5G>A

Gene: RYR2 (ryanodine receptor 2; plus strand). Cytogenetic location: 1q43.
Variant type: single nucleotide variant.
Coding change: c.273+5G>A on transcript NM_001035.3 (MANE Select); 5 bases into the intron after coding-DNA position 273, G replaced by A.
Molecular consequence: intron variant.
Genome position (GRCh38, 1-based): chr1:237,330,987, G>A. VCF-style: chr1-237330987-G-A. GRCh37 (hg19) VCF-style: chr1-237494287-G-A.
Identifiers: ClinVar variation 2767461 (VCV002767461.3), dbSNP rs2529156885, ClinGen allele CA2651196034.

ClinVar aggregate classification (germline): Uncertain significance (1 of 4 stars; one submission).

Conditions:
Catecholaminergic polymorphic ventricular tachycardia 1. Also called: RYR2-Related Catecholaminergic Polymorphic Ventricular Tachycardia; VENTRICULAR TACHYCARDIA, STRESS-INDUCED POLYMORPHIC 1; VENTRICULAR TACHYCARDIA, CATECHOLAMINERGIC POLYMORPHIC, 1, WITH OR WITHOUT ATRIAL DYSFUNCTION AND/OR DILATED CARDIOMYOPATHY. Identifiers: Orphanet 3286, MedGen C1631597, MONDO:0011484, OMIM 604772.

Allele frequency attached by ClinVar (database versions not stated): gnomAD exomes below 0.00001.
gnomAD v4.1: 1 of 1,610,374 alleles (0.000062%); highest among the groups gnomAD compares: Non-Finnish European, 0.000085%; no homozygotes.

Submission:

Labcorp Genetics (formerly Invitae), Labcorp
Classification: Uncertain significance for Catecholaminergic polymorphic ventricular tachycardia 1. Last evaluated: 2023-10-10. Review status: criteria provided, single submitter. Criteria: Invitae Variant Classification Sherloc (09022015). Collection method: clinical testing. Allele origin: germline.
Comment: This sequence change falls in intron 3 of the RYR2 gene. It does not directly change the encoded amino acid sequence of the RYR2 protein. It affects a nucleotide within the consensus splice site. This variant is not present in population databases (gnomAD no frequency). This variant has not been reported in the literature in individuals affected with RYR2-related conditions. Variants that disrupt the consensus splice site are a relatively common cause of aberrant splicing (PMID: 17576681, 9536098). Algorithms developed to predict the effect of sequence changes on RNA splicing suggest that this variant may disrupt the consensus splice site. In summary, the available evidence is currently insufficient to determine the role of this variant in disease. Therefore, it has been classified as a Variant of Uncertain Significance.

Literature cited by the submitters: PubMed 17576681; PubMed 9536098.